The following is an entry in ClinVar:

ClinVar aggregate classification (germline): Likely pathogenic (1 of 4 stars; one submission).

gnomAD v4.1: 1 of 1,613,540 alleles (0.000062%); highest among the groups gnomAD compares: Non-Finnish European, 0.000085%; no homozygotes.

Submission:

Labcorp Genetics (formerly Invitae), Labcorp
Classification: Likely pathogenic. Last evaluated: 2021-03-29. Review status: criteria provided, single submitter. Criteria: Invitae Variant Classification Sherloc (09022015). Collection method: clinical testing. Allele origin: germline.
Comment: In summary, the currently available evidence indicates that the variant is pathogenic, but additional data are needed to prove that conclusively. Therefore, this variant has been classified as Likely Pathogenic. Algorithms developed to predict the effect of sequence changes on RNA splicing suggest that this variant may create or strengthen a splice site, but this prediction has not been confirmed by published transcriptional studies. Algorithms developed to predict the effect of missense changes on protein structure and function are either unavailable or do not agree on the potential impact of this missense change (SIFT: "Deleterious"; PolyPhen-2: "Probably Damaging"; Align-GVGD: "Class C0"). This variant has been observed in individual(s) with clinical features of Tolchin-Le Caignec syndrome (Invitae). In at least one individual the variant was observed to be de novo. This variant is not present in population databases (ExAC no frequency). This sequence change replaces histidine with glutamine at codon 44 of the SOX6 protein (p.His44Gln). The histidine residue is moderately conserved and there is a small physicochemical difference between histidine and glutamine.

NM_001367873.1(SOX6):c.132C>G (p.His44Gln)

Gene: SOX6 (SRY-box transcription factor 6; minus strand). Cytogenetic location: 11p15.2.
Variant type: single nucleotide variant.
Coding change: c.132C>G on transcript NM_001367873.1 (MANE Select); coding-DNA position 132, C replaced by G.
Protein change: p.His44Gln; replaces histidine 44 with glutamine.
Molecular consequence: missense variant.
Genome position (GRCh38, 1-based): chr11:16,341,117, G>C on the plus strand (C>G on the coding strand, the complement: SOX6 is on the minus strand). VCF-style: chr11-16341117-G-C. GRCh37 (hg19) VCF-style: chr11-16362663-G-C.
Other names: c.132C>G, p.His44Gln (NM_001145811.2, NM_001145819.2, NM_001367872.1 and 2 more transcripts); short protein forms H44Q.
Identifiers: ClinVar variation 1496808 (VCV001496808.6), dbSNP rs763570958, ClinGen allele CA379876107.